The following is an entry in ClinVar:

ClinVar aggregate classification (germline): Uncertain significance. Review status: criteria provided, multiple submitters, no conflicts (2 of 4 stars). 2 submissions from 2 submitters: Uncertain significance (2). Last evaluated 2024-04-04.

Conditions:
Stormorken syndrome (STRMK). Also called: THROMBOCYTOPATHY, ASPLENIA, AND MIOSIS. Identifiers: Orphanet 3204, MedGen C1861451, MONDO:0008497, OMIM 185070.
Myopathy with tubular aggregates (TAM). Also called: Tubular Aggregate Myopathy. Identifiers: Orphanet 2593, MedGen C0410207, MONDO:0008051.
Combined immunodeficiency due to STIM1 deficiency. Also called: IMMUNODEFICIENCY 10; STIM1 DEFICIENCY. Identifiers: Orphanet 169090, Orphanet 317430, MedGen C2748557, MONDO:0013008, OMIM 612783.

gnomAD v4.1: 5 of 1,613,312 alleles (0.00031%); highest among the groups gnomAD compares: Admixed American, 0.0017%; no homozygotes.

Submissions (2):

Genomic Medicine Center of Excellence, King Faisal Specialist Hospital and Research Centre
Classification: Uncertain significance for Combined immunodeficiency due to STIM1 deficiency. Last evaluated: 2024-04-04. Review status: criteria provided, single submitter. Criteria: ACMG Guidelines, 2015. Collection method: clinical testing. Allele origin: germline.

Labcorp Genetics (formerly Invitae), Labcorp
Classification: Uncertain significance for Myopathy with tubular aggregates; Combined immunodeficiency due to STIM1 deficiency; Stormorken syndrome. Last evaluated: 2022-12-06. Review status: criteria provided, single submitter. Criteria: Invitae Variant Classification Sherloc (09022015). Collection method: clinical testing. Allele origin: germline.
Comment: ClinVar contains an entry for this variant (Variation ID: 1038109). In summary, the available evidence is currently insufficient to determine the role of this variant in disease. Therefore, it has been classified as a Variant of Uncertain Significance. Variants that disrupt the consensus splice site are a relatively common cause of aberrant splicing (PMID: 17576681, 9536098). Algorithms developed to predict the effect of sequence changes on RNA splicing suggest that this variant may disrupt the consensus splice site. This variant has not been reported in the literature in individuals affected with STIM1-related conditions. This variant is present in population databases (no rsID available, gnomAD 0.003%). This sequence change falls in intron 6 of the STIM1 gene. It does not directly change the encoded amino acid sequence of the STIM1 protein. It affects a nucleotide within the consensus splice site.

Literature cited by the submitters: PubMed 17576681 (cited by Labcorp Genetics (formerly Invitae), Labcorp); PubMed 9536098 (cited by Labcorp Genetics (formerly Invitae), Labcorp).

NM_001382567.1(STIM1):c.792-3C>G

Gene: STIM1 (stromal interaction molecule 1; plus strand). Cytogenetic location: 11p15.4.
Variant type: single nucleotide variant.
Coding change: c.792-3C>G on transcript NM_001382567.1 (MANE Select); 3 bases into the intron before coding-DNA position 792, C replaced by G.
Molecular consequence: intron variant.
Genome position (GRCh38, 1-based): chr11:4,074,499, C>G. VCF-style: chr11-4074499-C-G. GRCh37 (hg19) VCF-style: chr11-4095729-C-G.
Other names: c.570-3C>G (NM_001382578.1, NM_001382575.1, NM_001382576.1 and 5 more transcripts); c.303-3C>G (NM_001382580.1, NM_001382581.1); c.792-3C>G (NM_001382568.1, NM_001277962.2, NM_003156.4 and 2 more transcripts); c.564-3C>G (NM_001382570.1); c.657-3C>G (NM_001382569.1); c.312-3C>G (NM_001382571.1).
Identifiers: ClinVar variation 1038109 (VCV001038109.8), dbSNP rs201348785, ClinGen allele CA597434513.